The following is an entry in ClinVar:

NM_017563.5(IL17RD):c.2012C>T (p.Ser671Leu)

Genes: IL17RD (interleukin 17 receptor D; minus strand), LOC126806689 (BRD4-independent group 4 enhancer GRCh37_chr3:57131244-57132443; plus strand). Cytogenetic location: 3p14.3.
Variant type: single nucleotide variant.
Coding change: c.2012C>T on transcript NM_017563.5 (MANE Select); coding-DNA position 2012, C replaced by T.
Protein change: p.Ser671Leu; replaces serine 671 with leucine.
Molecular consequence: missense variant.
Genome position (GRCh38, 1-based): chr3:57,097,691, G>A on the plus strand (C>T on the coding strand, the complement: IL17RD is on the minus strand). VCF-style: chr3-57097691-G-A. GRCh37 (hg19) VCF-style: chr3-57131719-G-A.
Other names: c.1580C>T, p.Ser527Leu (NM_001318864.2); short protein forms S527L, S671L.
Identifiers: ClinVar variation 725455 (VCV000725455.5), dbSNP rs200787099, ClinGen allele CA2462600.
Genomic context (GRCh38, chr3:57,097,691, plus strand): 5'-GAAGACGTTTCTGTCTGGTCCGTCGAGAGTCCTTCCATCAGTGGCAGAGACAGCTCGGAT[G>A]AGGGCACAGACGAGTCATAGATGCCTGAGTCCCGCGGCATGTCCGAGGGGCTGCCGGCTT-3'
Protein context (NP_060033.3, residues 661-681): DSGIYDSSVP[Ser671Leu]SELSLPLMEG

ClinVar aggregate classification (germline): Likely benign. Review status: criteria provided, multiple submitters, no conflicts (2 of 4 stars). 2 submissions from 2 submitters: Likely benign (2). Last evaluated 2026-07-06.

Conditions:
IL17RD-related disorder. Also called: IL17RD-related condition.

Allele frequency attached by ClinVar (database versions not stated): gnomAD 0.00008 and 0.00014; gnomAD exomes 0.00015 and 0.00035; TOPMed 0.00015; 1000 Genomes Project 30x 0.00047; 1000 Genomes Project 0.00060; ExAC 0.00062.
gnomAD v4.1: 249 of 1,606,346 alleles (0.016%); highest among the groups gnomAD compares: East Asian, 0.28%; 5 homozygotes.

Submissions (2):

PreventionGenetics, part of Exact Sciences
Classification: Likely benign for IL17RD-related condition. Last evaluated: 2026-07-06. Review status: criteria provided, single submitter. Criteria: ACMG Guidelines, 2015. Collection method: clinical testing. Allele origin: germline.
Comment: This variant is classified as likely benign based on ACMG/AMP sequence variant interpretation guidelines (Richards et al. 2015 PMID: 25741868, with internal and published modifications).

Labcorp Genetics (formerly Invitae), Labcorp
Classification: Likely benign. Last evaluated: 2019-12-31. Review status: criteria provided, single submitter. Criteria: Invitae Variant Classification Sherloc (09022015). Collection method: clinical testing. Allele origin: germline.